The following is an entry in ClinVar:

ClinVar aggregate classification (germline): Pathogenic/Likely pathogenic. Review status: criteria provided, multiple submitters, no conflicts (2 of 4 stars). 6 submissions from 6 submitters: Pathogenic (3); Likely pathogenic (2). 1 of the submissions does not count toward it. Last evaluated 2026-05-05.

Conditions:
Retinal dystrophy. Also called: Inherited retinal dystrophy. Identifiers: Orphanet 71862, MedGen C0854723, MeSH D058499, MONDO:0019118, HP:0000556.
Cone-rod dystrophy 3 (CORD3). Identifiers: Orphanet 1872, MedGen C1858806, MONDO:0011395, OMIM 604116.
ABCA4-related disorder. Also called: ABCA4-related disorders; ABCA4-related condition. Identifiers: MedGen CN239167.

Allele frequency attached by ClinVar (database versions not stated): TOPMed 0.00001.
gnomAD v4.1: 6 of 1,614,204 alleles (0.00037%); highest among the groups gnomAD compares: Non-Finnish European, 0.00051%; no homozygotes.

Submissions (6):

Institute of Medical Genetics and Applied Genomics, University Hospital Tübingen
Classification: Likely pathogenic for Cone-rod dystrophy 3. Last evaluated: 2026-05-05. Review status: criteria provided, single submitter. Criteria: ACMG Guidelines, 2015. Collection method: clinical testing. Allele origin: germline. Inheritance: Autosomal recessive inheritance. Affected: yes.

Labcorp Genetics (formerly Invitae), Labcorp
Classification: Pathogenic. Last evaluated: 2026-01-25. Review status: criteria provided, single submitter. Criteria: Invitae Variant Classification Sherloc (09022015). Collection method: clinical testing. Allele origin: germline.
Comment: This sequence change replaces proline, which is neutral and non-polar, with arginine, which is basic and polar, at codon 68 of the ABCA4 protein (p.Pro68Arg). This variant is present in population databases (rs62654397, gnomAD 0.007%). This missense change has been observed in individual(s) with Stargardt disease (PMID: 11726554, 22247458, 28118664). In at least one individual the data is consistent with being in trans (on the opposite chromosome) from a pathogenic variant. It has also been observed to segregate with disease in related individuals. ClinVar contains an entry for this variant (Variation ID: 99112). Invitae Evidence Modeling of protein sequence and biophysical properties (such as structural, functional, and spatial information, amino acid conservation, physicochemical variation, residue mobility, and thermodynamic stability) indicates that this missense variant is expected to disrupt ABCA4 protein function with a positive predictive value of 95%. For these reasons, this variant has been classified as Pathogenic.

Blueprint Genetics
Classification: Pathogenic for ABCA4-related disorders. Last evaluated: 2022-09-16. Review status: criteria provided, single submitter. Criteria: ACMG Guidelines, 2015. Collection method: clinical testing. Allele origin: germline. Affected: yes. Observed: 5 variant alleles.

Illumina Laboratory Services, Illumina
Classification: Likely pathogenic for ABCA4-Related Disorders. Last evaluated: 2017-10-02. Review status: criteria provided, single submitter. Criteria: ICSL Variant Classification Criteria 09 May 2019. Collection method: clinical testing. Allele origin: germline.
Comment: TheABCA4 c.203C>G (p.Pro68Arg) missense variant has been reported in three studies in which it is identified in four individuals, including a sibling pair, with recessively inherited Stargardt disease, all in a compound heterozygous state with a second missense variant (Shroyer et al. 2000; Cideciyan et al. 2012; Schulz et al. 2017). The mother of the affected siblings was diagnosed with age-related macular degeneration and carried the p.Pro68Arg variant in a heterozygous state (Shroyer et al. 2000). The variant was absent from 440 control chromosomes (Lewis et al. 1999) and is reported at a frequency of 0.00007 in the European (non-Finnish) population of the Genome Aggregation Database, but this is based on one allele so the variant is presumed to be rare. Another missense variant at the same amino acid position (p.Pro68Leu) has also been seen in individuals with ABCA4-related conditions, including at least one individual with Stargardt disease who carried the variant in a compound heterozygous state (Rivera et al. 2000). Based on the collective evidence, the p.Pro68Arg variant is classified as likely pathogenic for ABCA4-related disorders. This variant was observed by ICSL as part of a predisposition screen in an ostensibly healthy population.

Institute of Human Genetics, Univ. Regensburg, Univ. Regensburg
Classification: Pathogenic for Retinal dystrophy. Last evaluated: 2010-01-01. Review status: criteria provided, single submitter. Criteria: ACMG Guidelines, 2015. Collection method: clinical testing. Allele origin: germline. Affected: yes.

Retina International
No classification provided. Review status: no classification provided. Collection method: not provided. Allele origin: not provided. Not counted in ClinVar's aggregate classification.

Literature cited by the submitters: PubMed 11726554 (cited by Labcorp Genetics (formerly Invitae), Labcorp and Illumina Laboratory Services, Illumina); PubMed 22247458 (cited by Labcorp Genetics (formerly Invitae), Labcorp and Illumina Laboratory Services, Illumina); PubMed 28118664 (cited by 3 submitters); PubMed 9973280 (cited by Illumina Laboratory Services, Illumina and Institute of Human Genetics, Univ. Regensburg, Univ. Regensburg); PubMed 10958763 (cited by Illumina Laboratory Services, Illumina); PubMed 3002862 (cited by Institute of Human Genetics, Univ. Regensburg, Univ. Regensburg); PubMed 31964843 (cited by Institute of Human Genetics, Univ. Regensburg, Univ. Regensburg).

NM_000350.3(ABCA4):c.203C>G (p.Pro68Arg)

Gene: ABCA4 (ATP binding cassette subfamily A member 4; minus strand). Cytogenetic location: 1p22.1.
Variant type: single nucleotide variant.
Coding change: c.203C>G on transcript NM_000350.3 (MANE Select); coding-DNA position 203, C replaced by G.
Protein change: p.Pro68Arg; replaces proline 68 with arginine.
Molecular consequence: missense variant.
Genome position (GRCh38, 1-based): chr1:94,111,537, G>C on the plus strand (C>G on the coding strand, the complement: ABCA4 is on the minus strand). VCF-style: chr1-94111537-G-C. GRCh37 (hg19) VCF-style: chr1-94577093-G-C.
Other names: c.203C>G, p.Pro68Arg (NM_001425324.1); short protein forms P68R.
Identifiers: ClinVar variation 99112 (VCV000099112.15), dbSNP rs62654397, ClinGen allele CA226971.
Genomic context (GRCh38, chr1:94,111,537, plus strand): 5'-CCTGGGGTGGGGCTTTGAAAACAGGGATTGTTCACATTGCAGAAGATCCCCTGGAGCCAC[G>C]GCAGCATTCCTGCTGAGGGCATCGCCTTGTTGGGGAAATGGCCTTTAAAACAGAAAATGA-3'
Protein context (NP_000341.2, residues 58-78): NKAMPSAGML[Pro68Arg]WLQGIFCNVN